The following is an entry in ClinVar:

NM_001048174.2(MUTYH):c.1392G>C (p.Lys464Asn)

Gene: MUTYH (mutY DNA glycosylase; minus strand). Cytogenetic location: 1p34.1.
Variant type: single nucleotide variant.
Coding change: c.1392G>C on transcript NM_001048174.2 (MANE Select); coding-DNA position 1392, G replaced by C.
Protein change: p.Lys464Asn; replaces lysine 464 with asparagine.
Molecular consequence: missense variant. On other transcripts: non-coding transcript variant (2).
Genome position (GRCh38, 1-based): chr1:45,331,182, C>G on the plus strand (G>C on the coding strand, the complement: MUTYH is on the minus strand). VCF-style: chr1-45331182-C-G. GRCh37 (hg19) VCF-style: chr1-45796854-C-G.
Other names: c.1392G>C, p.Lys464Asn (NM_001048171.2, NM_001048173.2, NM_001293195.2); c.1395G>C, p.Lys465Asn (NM_001048172.2); c.1476G>C, p.Lys492Asn (NM_001128425.2); c.1437G>C, p.Lys479Asn (NM_001293190.2); c.1425G>C, p.Lys475Asn (NM_001293191.2); c.1116G>C, p.Lys372Asn (NM_001293192.2, NM_001293196.2); c.1047G>C, p.Lys349Asn (NM_001350650.2, NM_001350651.2); c.1467G>C, p.Lys489Asn (NM_012222.3); short protein forms K492N, K372N, K465N, K489N, K475N, K464N, K349N, K479N.
Identifiers: ClinVar variation 238338 (VCV000238338.6), dbSNP rs878854185, ClinGen allele CA10581801.

ClinVar aggregate classification (germline): Uncertain significance (1 of 4 stars; one submission).

Conditions:
Familial adenomatous polyposis 2. Also called: FAP type 2; MUTYH Polyposis; MUTYH-related attenuated familial adenomatous polyposis; COLORECTAL ADENOMATOUS POLYPOSIS, AUTOSOMAL RECESSIVE; ADENOMAS, MULTIPLE COLORECTAL, AUTOSOMAL RECESSIVE; Adenomas, multiple colorectal. Identifiers: Orphanet 220460, Orphanet 247798, MedGen C3272841, MONDO:0012041, OMIM 608456.

Submission:

Labcorp Genetics (formerly Invitae), Labcorp
Classification: Uncertain significance for Familial adenomatous polyposis 2. Last evaluated: 2025-11-15. Review status: criteria provided, single submitter. Criteria: Invitae Variant Classification Sherloc (09022015). Collection method: clinical testing. Allele origin: germline.
Comment: This sequence change affects codon 492 of the MUTYH mRNA. It is a 'silent' change, meaning that it does not change the encoded amino acid sequence of the MUTYH protein. This variant also falls at the last nucleotide of exon 14, which is part of the consensus splice site for this exon. This variant is not present in population databases (gnomAD no frequency). This variant has not been reported in the literature in individuals affected with MUTYH-related conditions. ClinVar contains an entry for this variant (Variation ID: 238338). An algorithm developed to predict the effect of missense changes on protein structure and function (PolyPhen-2) suggests that this variant is likely to be disruptive. Variants that disrupt the consensus splice site are a relatively common cause of aberrant splicing (PMID: 17576681, 9536098). Algorithms developed to predict the effect of sequence changes on RNA splicing suggest that this variant may disrupt the consensus splice site. In summary, the available evidence is currently insufficient to determine the role of this variant in disease. Therefore, it has been classified as a Variant of Uncertain Significance.

Literature cited by the submitters: PubMed 17576681; PubMed 9536098.